The following is an entry in ClinVar:

NM_004539.4(NARS1):c.1202A>C (p.Lys401Thr)

Gene: NARS1 (asparaginyl-tRNA synthetase 1; minus strand). Cytogenetic location: 18q21.31.
Variant type: single nucleotide variant.
Coding change: c.1202A>C on transcript NM_004539.4 (MANE Select); coding-DNA position 1202, A replaced by C.
Protein change: p.Lys401Thr; replaces lysine 401 with threonine.
Molecular consequence: missense variant.
Genome position (GRCh38, 1-based): chr18:57,605,906, T>G on the plus strand (A>C on the coding strand, the complement: NARS1 is on the minus strand). VCF-style: chr18-57605906-T-G. GRCh37 (hg19) VCF-style: chr18-55273138-T-G.
Other names: c.1202A>C (NM_004539.3); short protein forms K401T.
Identifiers: ClinVar variation 2672730 (VCV002672730.24), dbSNP rs373955540, ClinGen allele CA8973489.

ClinVar aggregate classification (germline): Uncertain significance. Review status: criteria provided, multiple submitters, no conflicts (2 of 4 stars). 2 submissions from 2 submitters: Uncertain significance (2). Last evaluated 2024-08-04.

Allele frequency attached by ClinVar (database versions not stated): gnomAD 0.00002; ExAC 0.00003; TOPMed 0.00003; gnomAD exomes 0.00005; ESP Exome Variant Server 0.00008.
gnomAD v4.1: 82 of 1,613,466 alleles (0.0051%); highest among the groups gnomAD compares: Non-Finnish European, 0.0061%; no homozygotes.

Submissions (2):

Ambry Genetics
Classification: Uncertain significance. Last evaluated: 2024-08-04. Review status: criteria provided, single submitter. Criteria: Ambry Variant Classification Scheme 2023. Collection method: clinical testing. Allele origin: germline.

CeGaT Center for Human Genetics Tuebingen
Classification: Uncertain significance. Last evaluated: 2023-11-01. Review status: criteria provided, single submitter. Criteria: CeGaT Center For Human Genetics Tuebingen Variant Classification Criteria Version 2. Collection method: clinical testing. Allele origin: germline. Affected: yes. Observed: 1 variant allele.
Comment: NARS1: PM2